The following is an entry in ClinVar:

ClinVar aggregate classification (germline): Uncertain significance. Review status: criteria provided, multiple submitters, no conflicts (2 of 4 stars). 5 submissions from 4 submitters: Uncertain significance (5). Last evaluated 2024-10-23.

Conditions:
Ectopia lentis 2, isolated, autosomal recessive (ECTOL2). Identifiers: Orphanet 1885, MedGen C3541474, MONDO:0009152, OMIM 225100.
Inborn genetic diseases. Identifiers: MedGen C0950123, MeSH D030342.
Ectopia lentis et pupillae. Also called: ECTOPIA LENTIS WITH ECTOPIA OF PUPIL. Identifiers: Orphanet 1885, MedGen C1644196, MONDO:0009153, OMIM 225200.

Allele frequency attached by ClinVar (database versions not stated): gnomAD exomes 0.00006 and 0.00010; gnomAD 0.00007 and 0.00008; ESP Exome Variant Server 0.00008; 1000 Genomes Project 30x 0.00016.
gnomAD v4.1: 104 of 1,613,252 alleles (0.0064%); highest among the groups gnomAD compares: Middle Eastern, 0.2%; 2 homozygotes.

Submissions (5):

Labcorp Genetics (formerly Invitae), Labcorp
Classification: Uncertain significance. Last evaluated: 2024-10-23. Review status: criteria provided, single submitter. Criteria: Invitae Variant Classification Sherloc (09022015). Collection method: clinical testing. Allele origin: germline.
Comment: This sequence change replaces proline, which is neutral and non-polar, with leucine, which is neutral and non-polar, at codon 827 of the ADAMTSL4 protein (p.Pro827Leu). This variant is present in population databases (rs146452550, gnomAD 0.02%). This variant has not been reported in the literature in individuals affected with ADAMTSL4-related conditions. ClinVar contains an entry for this variant (Variation ID: 1429210). Invitae Evidence Modeling of protein sequence and biophysical properties (such as structural, functional, and spatial information, amino acid conservation, physicochemical variation, residue mobility, and thermodynamic stability) indicates that this missense variant is not expected to disrupt ADAMTSL4 protein function with a negative predictive value of 80%. In summary, the available evidence is currently insufficient to determine the role of this variant in disease. Therefore, it has been classified as a Variant of Uncertain Significance.

Genome-Nilou Lab
Classification: Uncertain significance for Ectopia lentis et pupillae. Last evaluated: 2023-04-11. Review status: criteria provided, single submitter. Criteria: ACMG Guidelines, 2015. Collection method: clinical testing. Allele origin: germline. Affected: no.

Genome-Nilou Lab
Classification: Uncertain significance for Ectopia lentis 2, isolated, autosomal recessive. Last evaluated: 2023-04-11. Review status: criteria provided, single submitter. Criteria: ACMG Guidelines, 2015. Collection method: clinical testing. Allele origin: germline. Affected: no.

Ambry Genetics
Classification: Uncertain significance for Inborn genetic diseases. Last evaluated: 2021-09-27. Review status: criteria provided, single submitter. Criteria: Ambry Variant Classification Scheme 2023. Collection method: clinical testing. Allele origin: germline.

Breakthrough Genomics
Classification: Uncertain significance. Review status: criteria provided, single submitter. Criteria: ACMG Guidelines, 2015. Collection method: not provided. Allele origin: germline. Inheritance: Autosomal recessive inheritance. Affected: yes.

NM_019032.6(ADAMTSL4):c.2480C>T (p.Pro827Leu)

Gene: ADAMTSL4 (ADAMTS like 4; plus strand). Cytogenetic location: 1q21.2.
Variant type: single nucleotide variant.
Coding change: c.2480C>T on transcript NM_019032.6 (MANE Select); coding-DNA position 2480, C replaced by T.
Protein change: p.Pro827Leu; replaces proline 827 with leucine.
Molecular consequence: missense variant.
Genome position (GRCh38, 1-based): chr1:150,558,570, C>T. VCF-style: chr1-150558570-C-T. GRCh37 (hg19) VCF-style: chr1-150531046-C-T.
Other names: c.2363C>T, p.Pro788Leu (NM_001288607.2); c.2549C>T, p.Pro850Leu (NM_001288608.2); c.2480C>T, p.Pro827Leu (NM_001378596.1, NM_025008.5); c.2480C>T (NM_019032.4); short protein forms P788L, P827L, P850L.
Identifiers: ClinVar variation 1429210 (VCV001429210.6), dbSNP rs146452550, ClinGen allele CA1078694.